The following is an entry in ClinVar:

ClinVar aggregate classification (germline): Uncertain significance. Review status: criteria provided, multiple submitters, no conflicts (2 of 4 stars). 2 submissions from 2 submitters: Uncertain significance (2). Last evaluated 2023-07-14.

Conditions:
Inborn genetic diseases. Identifiers: MedGen C0950123, MeSH D030342.
MOGS-congenital disorder of glycosylation. Also called: CDG IIb; GLUCOSIDASE I DEFICIENCY; MOGS-CDG; CDG 2B. Identifiers: Orphanet 79330, MedGen C1853736, MONDO:0011629, OMIM 606056.

Allele frequency attached by ClinVar (database versions not stated): ExAC 0.00001; gnomAD 0.00001 and 0.00002; gnomAD exomes 0.00001 and 0.00002; TOPMed 0.00003.
gnomAD v4.1: 32 of 1,613,934 alleles (0.002%); highest among the groups gnomAD compares: African/African-American, 0.004%; no homozygotes.

Submissions (2):

Ambry Genetics
Classification: Uncertain significance for Inborn genetic diseases. Last evaluated: 2023-07-14. Review status: criteria provided, single submitter. Criteria: Ambry Variant Classification Scheme 2023. Collection method: clinical testing. Allele origin: germline.

Labcorp Genetics (formerly Invitae), Labcorp
Classification: Uncertain significance for MOGS-congenital disorder of glycosylation. Last evaluated: 2022-07-05. Review status: criteria provided, single submitter. Criteria: Invitae Variant Classification Sherloc (09022015). Collection method: clinical testing. Allele origin: germline.
Comment: This sequence change replaces arginine, which is basic and polar, with cysteine, which is neutral and slightly polar, at codon 720 of the MOGS protein (p.Arg720Cys). This variant is present in population databases (rs779843206, gnomAD 0.01%). This variant has not been reported in the literature in individuals affected with MOGS-related conditions. ClinVar contains an entry for this variant (Variation ID: 648514). Algorithms developed to predict the effect of missense changes on protein structure and function are either unavailable or do not agree on the potential impact of this missense change (SIFT: "Deleterious"; PolyPhen-2: "Possibly Damaging"; Align-GVGD: "Class C15"). In summary, the available evidence is currently insufficient to determine the role of this variant in disease. Therefore, it has been classified as a Variant of Uncertain Significance.

NM_006302.3(MOGS):c.2158C>T (p.Arg720Cys)

Gene: MOGS (mannosyl-oligosaccharide glucosidase; minus strand). Cytogenetic location: 2p13.1.
Variant type: single nucleotide variant.
Coding change: c.2158C>T on transcript NM_006302.3 (MANE Select); coding-DNA position 2158, C replaced by T.
Protein change: p.Arg720Cys; replaces arginine 720 with cysteine.
Molecular consequence: missense variant.
Genome position (GRCh38, 1-based): chr2:74,461,631, G>A on the plus strand (C>T on the coding strand, the complement: MOGS is on the minus strand). VCF-style: chr2-74461631-G-A. GRCh37 (hg19) VCF-style: chr2-74688758-G-A.
Other names: c.2158C>T, p.Arg720Cys (LRG_1226t1); c.1840C>T, p.Arg614Cys (NM_001146158.2); short protein forms R614C, R720C.
Identifiers: ClinVar variation 648514 (VCV000648514.7), dbSNP rs779843206, ClinGen allele CA1724645.